The following is an entry in ClinVar:

ClinVar aggregate classification (germline): Uncertain significance (1 of 4 stars; one submission).

Conditions:
Mitochondrial complex II deficiency, nuclear type 1. Also called: SUCCINATE CoQ REDUCTASE DEFICIENCY. Identifiers: Orphanet 3208, MedGen C5700310, MONDO:0100294, OMIM 252011.
Pheochromocytoma/paraganglioma syndrome 5. Also called: Paragangliomas 5; SDHA-Related Hereditary Paraganglioma-Pheochromocytoma Syndrome. Identifiers: Orphanet 29072, MedGen C3279992, MONDO:0013602, OMIM 614165.

Submission:

Labcorp Genetics (formerly Invitae), Labcorp
Classification: Uncertain significance for Pheochromocytoma/paraganglioma syndrome 5; Mitochondrial complex II deficiency, nuclear type 1. Last evaluated: 2025-03-31. Review status: criteria provided, single submitter. Criteria: Invitae Variant Classification Sherloc (09022015). Collection method: clinical testing. Allele origin: germline.
Comment: This sequence change replaces serine, which is neutral and polar, with phenylalanine, which is neutral and non-polar, at codon 44 of the SDHA protein (p.Ser44Phe). This variant is not present in population databases (gnomAD no frequency). This variant has not been reported in the literature in individuals affected with SDHA-related conditions. ClinVar contains an entry for this variant (Variation ID: 942305). Invitae Evidence Modeling of protein sequence and biophysical properties (such as structural, functional, and spatial information, amino acid conservation, physicochemical variation, residue mobility, and thermodynamic stability) indicates that this missense variant is not expected to disrupt SDHA protein function with a negative predictive value of 95%. In summary, the available evidence is currently insufficient to determine the role of this variant in disease. Therefore, it has been classified as a Variant of Uncertain Significance.

NM_004168.4(SDHA):c.131C>T (p.Ser44Phe)

Gene: SDHA (succinate dehydrogenase complex flavoprotein subunit A; plus strand). Cytogenetic location: 5p15.33.
Variant type: single nucleotide variant.
Coding change: c.131C>T on transcript NM_004168.4 (MANE Select); coding-DNA position 131, C replaced by T.
Protein change: p.Ser44Phe; replaces serine 44 with phenylalanine.
Molecular consequence: missense variant.
Genome position (GRCh38, 1-based): chr5:223,549, C>T. VCF-style: chr5-223549-C-T. GRCh37 (hg19) VCF-style: chr5-223664-C-T.
Other names: c.131C>T, p.Ser44Phe (NM_001294332.2, NM_001330758.2); short protein forms S44F.
Identifiers: ClinVar variation 942305 (VCV000942305.10), dbSNP rs1734835164, ClinGen allele CA359008258.